The following is an entry in ClinVar:

ClinVar aggregate classification (germline): Conflicting classifications of pathogenicity. Review status: criteria provided, conflicting classifications (1 of 4 stars). 3 submissions from 3 submitters: Likely pathogenic (2); Uncertain significance (1). Last evaluated 2026-08-06.

Conditions:
Retinal dystrophy. Also called: Inherited retinal dystrophy. Identifiers: Orphanet 71862, MedGen C0854723, MeSH D058499, MONDO:0019118, HP:0000556.
Usher syndrome type 2A. Also called: RETINAL DISEASE IN USHER SYNDROME TYPE IIA, MODIFIER OF; USHER SYNDROME, TYPE IIA. Identifiers: Orphanet 231178, Orphanet 886, MedGen C1848634, MONDO:0010169, OMIM 276901.
Retinitis pigmentosa 39 (RP39). Identifiers: Orphanet 791, MedGen C3151138, MONDO:0013436, OMIM 613809.

gnomAD v4.1: 1 of 1,613,640 alleles (0.000062%); highest among the groups gnomAD compares: South Asian, 0.0011%; no homozygotes.

Submissions (3):

OLLIN Analises Genomicas, OLLIN
Classification: Likely pathogenic for Usher syndrome type 2A. Last evaluated: 2026-08-06. Review status: criteria provided, single submitter. Criteria: ACMG Guidelines 2015 PMID 25741868. Collection method: clinical testing. Allele origin: germline. Inheritance: Autosomal recessive inheritance.
Comment: This missense variant, located in exon 56 (of 72), has been observed in gnomAD with an allele frequency of 0.000062%, reported in ClinVar (ID: 3250220) and in the scientific literature, in compound heterozygosity, in individuals with USH2A related disorders (PMID: 22334370). In silico analysis is inconclusive regarding the impact of this variant. According to the currently available evidence, this variant has been classified as likely pathogenic (PM2_P, PM3_S, PP4).

Dasa
Classification: Uncertain significance for Retinitis pigmentosa 39. Last evaluated: 2025-10-13. Review status: criteria provided, single submitter. Criteria: DASA Assertion Criteria. Collection method: clinical testing. Allele origin: germline.
Comment: NM_206933.4(USH2A):c.11007C>A (p.Ser3669Arg) is a missense variant that results in the substitution of serine with arginine. This variant has been reported in individuals with USH2A-related disorders (PMID: 22334370). Also, this variant is rare in population databases. The currently available literature and clinical evidence are not sufficient to establish a definitive association between this variant and the reported condition. Therefore, this variant is classified as a variant of uncertain significance.

Institute of Human Genetics, Univ. Regensburg, Univ. Regensburg
Classification: Likely pathogenic for Retinal dystrophy. Last evaluated: 2017-01-01. Review status: criteria provided, single submitter. Criteria: ACMG Guidelines, 2015. Collection method: clinical testing. Allele origin: germline. Affected: yes.

Literature cited by the submitters: PubMed 22334370 (cited by 3 submitters).

NM_206933.4(USH2A):c.11007C>A (p.Ser3669Arg)

Gene: USH2A (usherin; minus strand). Cytogenetic location: 1q41.
Variant type: single nucleotide variant.
Coding change: c.11007C>A on transcript NM_206933.4 (MANE Select); coding-DNA position 11007, C replaced by A.
Protein change: p.Ser3669Arg; replaces serine 3669 with arginine.
Molecular consequence: missense variant.
Genome position (GRCh38, 1-based): chr1:215,766,721, G>T on the plus strand (C>A on the coding strand, the complement: USH2A is on the minus strand). VCF-style: chr1-215766721-G-T. GRCh37 (hg19) VCF-style: chr1-215940063-G-T.
Other names: short protein forms S3669R.
Identifiers: ClinVar variation 3250220 (VCV003250220.4).